The following is an entry in ClinVar:

NM_178452.6(DNAAF1):c.1296G>C (p.Glu432Asp)

Gene: DNAAF1 (dynein axonemal assembly factor 1; plus strand). Cytogenetic location: 16q24.1.
Variant type: single nucleotide variant.
Coding change: c.1296G>C on transcript NM_178452.6 (MANE Select); coding-DNA position 1296, G replaced by C.
Protein change: p.Glu432Asp; replaces glutamic acid 432 with aspartic acid.
Molecular consequence: missense variant.
Genome position (GRCh38, 1-based): chr16:84,170,124, G>C. VCF-style: chr16-84170124-G-C. GRCh37 (hg19) VCF-style: chr16-84203730-G-C.
Other names: c.588G>C, p.Glu196Asp (NM_001318756.1); short protein forms E432D, E196D.
Identifiers: ClinVar variation 226573 (VCV000226573.30), dbSNP rs9972733, ClinGen allele CA8202817.

ClinVar aggregate classification (germline): Benign/Likely benign. Review status: criteria provided, multiple submitters, no conflicts (2 of 4 stars). 12 submissions from 12 submitters: Benign (9); Likely benign (1). 2 of the submissions do not count toward it. Last evaluated 2026-02-04.

Conditions:
Primary ciliary dyskinesia 13. Also called: CILIARY DYSKINESIA, PRIMARY, 13, WITH OR WITHOUT SITUS INVERSUS. Identifiers: Orphanet 244, MedGen C2750790, MONDO:0013174, OMIM 613193.
Primary ciliary dyskinesia. Also called: Ciliary dyskinesia. Identifiers: Orphanet 244, MedGen C0008780, MONDO:0016575, HP:0012265.

Allele frequency attached by ClinVar (database versions not stated): ESP Exome Variant Server 0.07477; TOPMed 0.07707; gnomAD 0.07717; ExAC 0.09711; 1000 Genomes Project 30x 0.10743; 1000 Genomes Project 0.11282.
gnomAD v4.1: 140,632 of 1,605,926 alleles (8.8%); highest among the groups gnomAD compares: South Asian, 20%; 7,175 homozygotes.

Submissions (12):

Labcorp Genetics (formerly Invitae), Labcorp
Classification: Benign for Primary ciliary dyskinesia. Last evaluated: 2026-02-04. Review status: criteria provided, single submitter. Criteria: Invitae Variant Classification Sherloc (09022015). Collection method: clinical testing. Allele origin: germline.

Blueprint Genetics
Classification: Likely benign. Last evaluated: 2024-11-27. Review status: criteria provided, single submitter. Criteria: ACMG Guidelines, 2015. Collection method: clinical testing. Allele origin: germline.

Mayo Clinic Laboratories, Mayo Clinic
Classification: Benign. Last evaluated: 2022-04-26. Review status: criteria provided, single submitter. Criteria: ACMG Guidelines, 2015. Collection method: clinical testing. Allele origin: germline. Observed: 25 variant alleles.

GeneDx
Classification: Benign. Last evaluated: 2019-02-18. Review status: criteria provided, single submitter. Criteria: GeneDx Variant Classification Process June 2021. Collection method: clinical testing. Allele origin: germline. Affected: yes.

Illumina Laboratory Services, Illumina
Classification: Benign for Primary ciliary dyskinesia 13. Last evaluated: 2018-01-13. Review status: criteria provided, single submitter. Criteria: ICSL Variant Classification Criteria 13 December 2019. Collection method: clinical testing. Allele origin: germline.
Comment: This variant was observed in the ICSL laboratory as part of a predisposition screen in an ostensibly healthy population. It had not been previously curated by ICSL or reported in the Human Gene Mutation Database (HGMD: prior to June 1st, 2018), and was therefore a candidate for classification through an automated scoring system. Utilizing variant allele frequency, disease prevalence and penetrance estimates, and inheritance mode, an automated score was calculated to assess if this variant is too frequent to cause the disease. Based on the score and internal cut-off values, a variant classified as benign is not then subjected to further curation. The score for this variant resulted in a classification of benign for this disease.

Laboratory for Molecular Medicine, Mass General Brigham Personalized Medicine
Classification: Benign. Last evaluated: 2015-10-12. Review status: criteria provided, single submitter. Criteria: LMM Criteria. Collection method: clinical testing. Allele origin: germline. Observed: 12 variant alleles.
Comment: p.Glu432Asp in exon 8 of DNAAF1: This variant is not expected to have clinical s ignificance because it has been identified in 20% (3315/16512) of South Asian ch romosomes by the Exome Aggregation Consortium (ExAC. org; dbSNP rs9972733).

Clinical Genetics DNA and cytogenetics Diagnostics Lab, Erasmus MC, Erasmus Medical Center
Classification: Benign for Primary ciliary dyskinesia 13. Last evaluated: 2015-09-21. Review status: criteria provided, single submitter. Criteria: ACGS Guidelines, 2013. Collection method: clinical testing. Allele origin: germline. Affected: yes. Study: VKGL Data-share Consensus.

Ambry Genetics
Classification: Benign for Primary ciliary dyskinesia. Last evaluated: 2014-12-11. Review status: criteria provided, single submitter. Criteria: Ambry Variant Classification Scheme 2023. Collection method: clinical testing. Allele origin: germline.

Breakthrough Genomics
Classification: Benign. Review status: criteria provided, single submitter. Criteria: ACMG Guidelines, 2015. Collection method: not provided. Allele origin: germline. Inheritance: Autosomal recessive inheritance. Affected: yes.

PreventionGenetics, part of Exact Sciences
Classification: Benign. Review status: criteria provided, single submitter. Criteria: ACMG Guidelines, 2015. Collection method: clinical testing. Allele origin: germline.

Diagnostic Laboratory, Department of Genetics, University Medical Center Groningen
Classification: Benign for Primary ciliary dyskinesia 13. Review status: no assertion criteria provided. Collection method: clinical testing. Allele origin: germline. Affected: yes. Study: VKGL Data-share Consensus. Not counted in ClinVar's aggregate classification.

Joint Genome Diagnostic Labs from Nijmegen and Maastricht, Radboudumc and MUMC+
Classification: Benign. Review status: no assertion criteria provided. Collection method: clinical testing. Allele origin: germline. Affected: yes. Study: VKGL Data-share Consensus. Not counted in ClinVar's aggregate classification.

Literature cited by the submitters: PubMed 22499950 (cited by Laboratory for Molecular Medicine, Mass General Brigham Personalized Medicine).